The following is an entry in ClinVar:

ClinVar aggregate classification (germline): Uncertain significance. Review status: criteria provided, multiple submitters, no conflicts (2 of 4 stars). 2 submissions from 2 submitters: Uncertain significance (2). Last evaluated 2024-11-13.

Conditions:
Inborn genetic diseases. Identifiers: MedGen C0950123, MeSH D030342.

Allele frequency attached by ClinVar (database versions not stated): ExAC 0.00002; gnomAD exomes 0.00002 and 0.00012; gnomAD 0.00003 and 0.00004; TOPMed 0.00005.
gnomAD v4.1: 185 of 1,614,084 alleles (0.011%); highest among the groups gnomAD compares: Non-Finnish European, 0.015%; no homozygotes.

Submissions (2):

Ambry Genetics
Classification: Uncertain significance for Inborn genetic diseases. Last evaluated: 2024-11-13. Review status: criteria provided, single submitter. Criteria: Ambry Variant Classification Scheme 2023. Collection method: clinical testing. Allele origin: germline.

Labcorp Genetics (formerly Invitae), Labcorp
Classification: Uncertain significance. Last evaluated: 2022-08-15. Review status: criteria provided, single submitter. Criteria: Invitae Variant Classification Sherloc (09022015). Collection method: clinical testing. Allele origin: germline.
Comment: This sequence change replaces phenylalanine, which is neutral and non-polar, with valine, which is neutral and non-polar, at codon 619 of the EXTL3 protein (p.Phe619Val). This variant is present in population databases (rs771738641, gnomAD 0.006%). This variant has not been reported in the literature in individuals affected with EXTL3-related conditions. ClinVar contains an entry for this variant (Variation ID: 1512070). Algorithms developed to predict the effect of missense changes on protein structure and function (SIFT, PolyPhen-2, Align-GVGD) all suggest that this variant is likely to be tolerated. In summary, the available evidence is currently insufficient to determine the role of this variant in disease. Therefore, it has been classified as a Variant of Uncertain Significance.

NM_001440.4(EXTL3):c.1855T>G (p.Phe619Val)

Gene: EXTL3 (exostosin like glycosyltransferase 3; plus strand). Cytogenetic location: 8p21.1.
Variant type: single nucleotide variant.
Coding change: c.1855T>G on transcript NM_001440.4 (MANE Select); coding-DNA position 1855, T replaced by G.
Protein change: p.Phe619Val; replaces phenylalanine 619 with valine.
Molecular consequence: missense variant.
Genome position (GRCh38, 1-based): chr8:28,717,914, T>G. VCF-style: chr8-28717914-T-G. GRCh37 (hg19) VCF-style: chr8-28575431-T-G.
Other names: c.1855T>G (NM_001440.2); short protein forms F619V.
Identifiers: ClinVar variation 1512070 (VCV001512070.6), dbSNP rs771738641, ClinGen allele CA4696298.
Genomic context (GRCh38, chr8:28,717,914, plus strand): 5'-GACTTTTACCGCAGCTGGAACTGTGCTCCAGGGCCTTTCCATCTTTTCCCCCACACTCCC[T>G]TTGACCCTGTGTTGCCCTCAGAGGCCAAATTCTTGGGCTCAGGGACTGGCTTTCGGCCTA-3'
Protein context (NP_001431.1, residues 609-629): GPFHLFPHTP[Phe619Val]DPVLPSEAKF